The following is an entry in ClinVar:

ClinVar aggregate classification (germline): Uncertain significance. Review status: criteria provided, multiple submitters, no conflicts (2 of 4 stars). 2 submissions from 2 submitters: Uncertain significance (2). Last evaluated 2024-09-03.

Conditions:
Inborn genetic diseases. Identifiers: MedGen C0950123, MeSH D030342.

Allele frequency attached by ClinVar (database versions not stated): gnomAD 0.00001.

Submissions (2):

Ambry Genetics
Classification: Uncertain significance for Inborn genetic diseases. Last evaluated: 2024-09-03. Review status: criteria provided, single submitter. Criteria: Ambry Variant Classification Scheme 2023. Collection method: clinical testing. Allele origin: germline.

Labcorp Genetics (formerly Invitae), Labcorp
Classification: Uncertain significance. Last evaluated: 2022-07-20. Review status: criteria provided, single submitter. Criteria: Invitae Variant Classification Sherloc (09022015). Collection method: clinical testing. Allele origin: germline.
Comment: This sequence change replaces arginine, which is basic and polar, with serine, which is neutral and polar, at codon 404 of the ILDR1 protein (p.Arg404Ser). This variant is present in population databases (rs759613864, gnomAD 0.007%). This variant has not been reported in the literature in individuals affected with ILDR1-related conditions. Algorithms developed to predict the effect of missense changes on protein structure and function (SIFT, PolyPhen-2, Align-GVGD) all suggest that this variant is likely to be tolerated. In summary, the available evidence is currently insufficient to determine the role of this variant in disease. Therefore, it has been classified as a Variant of Uncertain Significance.

NM_001199799.2(ILDR1):c.1210C>A (p.Arg404Ser)

Gene: ILDR1 (immunoglobulin like domain containing receptor 1; minus strand). Cytogenetic location: 3q13.33.
Variant type: single nucleotide variant.
Coding change: c.1210C>A on transcript NM_001199799.2 (MANE Select); coding-DNA position 1210, C replaced by A.
Protein change: p.Arg404Ser; replaces arginine 404 with serine.
Molecular consequence: missense variant.
Genome position (GRCh38, 1-based): chr3:121,993,539, G>T on the plus strand (C>A on the coding strand, the complement: ILDR1 is on the minus strand). VCF-style: chr3-121993539-G-T. GRCh37 (hg19) VCF-style: chr3-121712386-G-T.
Other names: c.1210C>A (NM_001199799.1); c.943C>A, p.Arg315Ser (NM_001199800.2); c.1078C>A, p.Arg360Ser (NM_175924.4); short protein forms R360S, R404S, R315S.
Identifiers: ClinVar variation 1898104 (VCV001898104.6), dbSNP rs759613864, ClinGen allele CA2568741.